The following is an entry in ClinVar:

NC_000022.11:g.40346493G>A

Gene: ADSL (adenylosuccinate lyase; plus strand). Cytogenetic location: 22q13.1.
Variant type: single nucleotide variant.
Genome position: GRCh38 VCF-style: chr22-40346493-G-A. GRCh37 (hg19) VCF-style: chr22-40742497-G-A.
Identifiers: ClinVar variation 1383264 (VCV001383264.6), dbSNP rs558397990, ClinGen allele CA753180137.
Genomic context (GRCh38, chr22:40,346,493, plus strand): 5'-GCCCGGAACCCAGAGAGCGAGACCGCGTGAAGGAAGTCCCGCCCCGCCCCGTCCTGCCCT[G>A]GCCTCCAGGTTTCCGCTTCCGCTCTTCCCTGGTCCAGTCCACCCTGGCGGGGTCGCAGGG-3'

ClinVar aggregate classification (germline): Uncertain significance (1 of 4 stars; one submission).

Conditions:
Adenylosuccinate lyase deficiency (ADSLD). Also called: ADSL DEFICIENCY. Identifiers: Orphanet 46, MedGen C0268126, MONDO:0007068, OMIM 103050.

Allele frequency attached by ClinVar (database versions not stated): gnomAD 0.00001; gnomAD exomes 0.00001; TOPMed 0.00001.

Submission:

Labcorp Genetics (formerly Invitae), Labcorp
Classification: Uncertain significance for Adenylosuccinate lyase deficiency. Last evaluated: 2022-08-16. Review status: criteria provided, single submitter. Criteria: Invitae Variant Classification Sherloc (09022015). Collection method: clinical testing. Allele origin: germline.
Comment: This variant is not present in population databases (gnomAD no frequency). This variant has not been reported in the literature in individuals affected with ADSL-related conditions. Algorithms developed to predict the effect of sequence changes on RNA splicing suggest that this variant may create or strengthen a splice site. This variant occurs in a non-coding region of the ADSL gene. It does not change the encoded amino acid sequence of the ADSL protein. In summary, the available evidence is currently insufficient to determine the role of this variant in disease. Therefore, it has been classified as a Variant of Uncertain Significance.